The following is an entry in ClinVar:

ClinVar aggregate classification (germline): Uncertain significance (1 of 4 stars; one submission).

Submission:

GeneDx
Classification: Uncertain significance. Last evaluated: 2024-05-16. Review status: criteria provided, single submitter. Criteria: GeneDx Variant Classification Process June 2021. Collection method: clinical testing. Allele origin: germline. Affected: yes.
Comment: Not observed at significant frequency in large population cohorts (gnomAD); In silico analysis supports that this missense variant has a deleterious effect on protein structure/function; Has not been previously published as pathogenic or benign to our knowledge

NM_006236.3(POU3F3):c.1157A>T (p.Glu386Val)

Gene: POU3F3 (POU class 3 homeobox 3; plus strand). Cytogenetic location: 2q12.1.
Variant type: single nucleotide variant.
Coding change: c.1157A>T on transcript NM_006236.3 (MANE Select); coding-DNA position 1157, A replaced by T.
Protein change: p.Glu386Val; replaces glutamic acid 386 with valine.
Molecular consequence: missense variant.
Genome position (GRCh38, 1-based): chr2:104,856,667, A>T. VCF-style: chr2-104856667-A-T. GRCh37 (hg19) VCF-style: chr2-105473125-A-T.
Other names: short protein forms E386V.
Identifiers: ClinVar variation 3377969 (VCV003377969.1).
Genomic context (GRCh38, chr2:104,856,667, plus strand): 5'-TGCAGCTGAGCTTCAAGAACATGTGCAAGCTCAAGCCGCTGCTGAACAAGTGGCTGGAGG[A>T]GGCGGACTCAAGCACCGGCAGCCCCACAAGCATCGACAAGATCGCGGCGCAGGGCCGCAA-3'
Protein context (NP_006227.1, residues 376-396): LKPLLNKWLE[Glu386Val]ADSSTGSPTS